The following is an entry in ClinVar:

NM_005219.5(DIAPH1):c.3048G>A (p.Lys1016=)

Gene: DIAPH1 (diaphanous related formin 1; minus strand). Cytogenetic location: 5q31.3.
Variant type: single nucleotide variant.
Coding change: c.3048G>A on transcript NM_005219.5 (MANE Select); coding-DNA position 3048, G replaced by A.
Protein change: p.Lys1016=; no amino-acid change (lysine 1016 retained).
Molecular consequence: synonymous variant.
Genome position (GRCh38, 1-based): chr5:141,528,553, C>T on the plus strand (G>A on the coding strand, the complement: DIAPH1 is on the minus strand). VCF-style: chr5-141528553-C-T. GRCh37 (hg19) VCF-style: chr5-140908120-C-T.
Other names: c.3021G>A, p.Lys1007= (NM_001079812.3); c.3048G>A, p.Lys1016= (NM_001314007.2).
Identifiers: ClinVar variation 434939 (VCV000434939.15), dbSNP rs371366611, ClinGen allele CA128425062.

ClinVar aggregate classification (germline): Likely benign. Review status: criteria provided, multiple submitters, no conflicts (2 of 4 stars). 3 submissions from 3 submitters: Likely benign (2). 1 of the submissions does not count toward it. Last evaluated 2025-04-02.

Conditions:
Progressive microcephaly-seizures-cortical blindness-developmental delay syndrome. Also called: Seizures, cortical blindness, and microcephaly syndrome. Identifiers: Orphanet 477814, MedGen C5567650, MONDO:0014714, OMIM 616632.
Autosomal dominant nonsyndromic hearing loss 1. Also called: KONIGSMARK SYNDROME; DEAFNESS, AUTOSOMAL DOMINANT 1, WITH OR WITHOUT THROMBOCYTOPENIA. Identifiers: Orphanet 90635, MedGen C1852282, MONDO:0007424, OMIM 124900.
DIAPH1-related disorder. Also called: DIAPH1-related condition.

Allele frequency attached by ClinVar (database versions not stated): gnomAD exomes 0.00001.
gnomAD v4.1: 16 of 1,614,194 alleles (0.00099%); highest among the groups gnomAD compares: Middle Eastern, 0.066%; no homozygotes.

Submissions (3):

Labcorp Genetics (formerly Invitae), Labcorp
Classification: Likely benign for Progressive microcephaly-seizures-cortical blindness-developmental delay syndrome; Autosomal dominant nonsyndromic hearing loss 1. Last evaluated: 2025-04-02. Review status: criteria provided, single submitter. Criteria: Invitae Variant Classification Sherloc (09022015). Collection method: clinical testing. Allele origin: germline.

Genetic Services Laboratory, University of Chicago
Classification: Likely benign. Last evaluated: 2017-06-22. Review status: criteria provided, single submitter. Criteria: ACMG Guidelines, 2015. Collection method: clinical testing. Allele origin: germline. Affected: no.

PreventionGenetics, part of Exact Sciences
Classification: Likely benign for DIAPH1-related condition. Last evaluated: 2019-06-19. Review status: no assertion criteria provided. Collection method: clinical testing. Allele origin: germline. Not counted in ClinVar's aggregate classification.
Comment: This variant is classified as likely benign based on ACMG/AMP sequence variant interpretation guidelines (Richards et al. 2015 PMID: 25741868, with internal and published modifications).